The following is an entry in ClinVar:

NM_001164665.2(KIAA1549):c.130C>A (p.Leu44Met)

Gene: KIAA1549 (KIAA1549; minus strand). Cytogenetic location: 7q34.
Variant type: single nucleotide variant.
Coding change: c.130C>A on transcript NM_001164665.2 (MANE Select); coding-DNA position 130, C replaced by A.
Protein change: p.Leu44Met; replaces leucine 44 with methionine.
Molecular consequence: missense variant.
Genome position (GRCh38, 1-based): chr7:138,981,140, G>T on the plus strand (C>A on the coding strand, the complement: KIAA1549 is on the minus strand). VCF-style: chr7-138981140-G-T. GRCh37 (hg19) VCF-style: chr7-138665886-G-T.
Other names: c.130C>A, p.Leu44Met (NM_020910.3); short protein forms L44M.
Identifiers: ClinVar variation 1936155 (VCV001936155.5), dbSNP rs188225028, ClinGen allele CA369382309.

ClinVar aggregate classification (germline): Uncertain significance (1 of 4 stars; one submission).

Allele frequency attached by ClinVar (database versions not stated): 1000 Genomes Project 30x 0.00047.
gnomAD v4.1: 6 of 1,212,316 alleles (0.00049%); highest among the groups gnomAD compares: Non-Finnish European, 0.00062%; 1 homozygote.

Submission:

Labcorp Genetics (formerly Invitae), Labcorp
Classification: Uncertain significance. Last evaluated: 2022-08-31. Review status: criteria provided, single submitter. Criteria: Invitae Variant Classification Sherloc (09022015). Collection method: clinical testing. Allele origin: germline.
Comment: In summary, the available evidence is currently insufficient to determine the role of this variant in disease. Therefore, it has been classified as a Variant of Uncertain Significance. Algorithms developed to predict the effect of missense changes on protein structure and function are either unavailable or do not agree on the potential impact of this missense change (SIFT: "Deleterious"; PolyPhen-2: "Benign"; Align-GVGD: "Class C0"). This variant has not been reported in the literature in individuals affected with KIAA1549-related conditions. The frequency data for this variant in the population databases is considered unreliable, as metrics indicate insufficient coverage at this position in the gnomAD database. This sequence change replaces leucine, which is neutral and non-polar, with methionine, which is neutral and non-polar, at codon 44 of the KIAA1549 protein (p.Leu44Met).